The following is an entry in ClinVar:

ClinVar aggregate classification (germline): Benign/Likely benign. Review status: criteria provided, multiple submitters, no conflicts (2 of 4 stars). 2 submissions from 2 submitters: Benign (1); Likely benign (1). Last evaluated 2025-09-02.

Conditions:
Anophthalmia/microphthalmia-esophageal atresia syndrome (MCOPS3). Also called: AEG SYNDROME; MICROPHTHALMIA AND ESOPHAGEAL ATRESIA SYNDROME; SOX2 Disorder. Identifiers: Orphanet 77298, MedGen C1859773, MONDO:0008799, OMIM 206900.

Allele frequency attached by ClinVar (database versions not stated): 1000 Genomes Project 0.00020; 1000 Genomes Project 30x 0.00031; ExAC 0.00063.

Submissions (2):

Mayo Clinic Laboratories, Mayo Clinic
Classification: Likely benign. Last evaluated: 2025-09-02. Review status: criteria provided, single submitter. Criteria: ACMG Guidelines, 2015. Collection method: clinical testing. Allele origin: germline. Observed: 1 variant allele.
Comment: BS1, BP4, BP7

Labcorp Genetics (formerly Invitae), Labcorp
Classification: Benign for Anophthalmia/microphthalmia-esophageal atresia syndrome. Last evaluated: 2025-08-30. Review status: criteria provided, single submitter. Criteria: Invitae Variant Classification Sherloc (09022015). Collection method: clinical testing. Allele origin: germline.

Literature cited by the submitters: PubMed 12612584 (cited by Mayo Clinic Laboratories, Mayo Clinic).

NM_003106.4(SOX2):c.909G>C (p.Val303=)

Genes: SOX2 (SRY-box transcription factor 2; plus strand), SOX2-OT (SOX2 overlapping transcript; plus strand). Cytogenetic location: 3q26.33.
Variant type: single nucleotide variant.
Coding change: c.909G>C on transcript NM_003106.4 (MANE Select); coding-DNA position 909, G replaced by C.
Protein change: p.Val303=; no amino-acid change (valine 303 retained).
Molecular consequence: synonymous variant.
Genome position (GRCh38, 1-based): chr3:181,713,269, G>C. VCF-style: chr3-181713269-G-C. GRCh37 (hg19) VCF-style: chr3-181431057-G-C.
Other names: p.Val303=.
Identifiers: ClinVar variation 2730067 (VCV002730067.4), dbSNP rs537432912, ClinGen allele CA2717338.
Genomic context (GRCh38, chr3:181,713,269, plus strand): 5'-GCCGGAACCCGCCGCCCCCAGCAGACTTCACATGTCCCAGCACTACCAGAGCGGCCCGGT[G>C]CCCGGCACGGCCATTAACGGCACACTGCCCCTCTCACACATGTGAGGGCCGGACAGCGAA-3'
Protein context (NP_003097.1, residues 293-313): HMSQHYQSGP[Val303=]PGTAINGTLP